The following is an entry in ClinVar:

ClinVar aggregate classification (germline): Uncertain significance. Review status: criteria provided, multiple submitters, no conflicts (2 of 4 stars). 2 submissions from 2 submitters: Uncertain significance (2). Last evaluated 2025-06-14.

Conditions:
Inborn genetic diseases. Identifiers: MedGen C0950123, MeSH D030342.

gnomAD v4.1: 19 of 1,614,068 alleles (0.0012%); highest among the groups gnomAD compares: Admixed American, 0.0067%; no homozygotes.

Submissions (2):

Labcorp Genetics (formerly Invitae), Labcorp
Classification: Uncertain significance. Last evaluated: 2025-06-14. Review status: criteria provided, single submitter. Criteria: Invitae Variant Classification Sherloc (09022015). Collection method: clinical testing. Allele origin: germline.
Comment: This sequence change replaces histidine, which is basic and polar, with glutamine, which is neutral and polar, at codon 351 of the COL4A4 protein (p.His351Gln). This variant is present in population databases (rs566734739, gnomAD 0.004%). This variant has not been reported in the literature in individuals affected with COL4A4-related conditions. ClinVar contains an entry for this variant (Variation ID: 3716565). Invitae Evidence Modeling of protein sequence and biophysical properties (such as structural, functional, and spatial information, amino acid conservation, physicochemical variation, residue mobility, and thermodynamic stability) indicates that this missense variant is not expected to disrupt COL4A4 protein function with a negative predictive value of 95%. In summary, the available evidence is currently insufficient to determine the role of this variant in disease. Therefore, it has been classified as a Variant of Uncertain Significance.

Ambry Genetics
Classification: Uncertain significance for Inborn genetic diseases. Last evaluated: 2025-05-17. Review status: criteria provided, single submitter. Criteria: Ambry Variant Classification Scheme 2023. Collection method: clinical testing. Allele origin: germline.

NM_000092.5(COL4A4):c.1053C>G (p.His351Gln)

Gene: COL4A4 (collagen type IV alpha 4 chain; minus strand). Cytogenetic location: 2q36.3.
Variant type: single nucleotide variant.
Coding change: c.1053C>G on transcript NM_000092.5 (MANE Select); coding-DNA position 1053, C replaced by G.
Protein change: p.His351Gln; replaces histidine 351 with glutamine.
Molecular consequence: missense variant.
Genome position (GRCh38, 1-based): chr2:227,099,666, G>C on the plus strand (C>G on the coding strand, the complement: COL4A4 is on the minus strand). VCF-style: chr2-227099666-G-C. GRCh37 (hg19) VCF-style: chr2-227964382-G-C.
Other names: short protein forms H351Q.
Identifiers: ClinVar variation 3716565 (VCV003716565.3).